The following is an entry in ClinVar:

ClinVar aggregate classification (germline): Uncertain significance. Review status: criteria provided, multiple submitters, no conflicts (2 of 4 stars). 2 submissions from 2 submitters: Uncertain significance (2). Last evaluated 2025-11-02.

Conditions:
Hereditary cancer-predisposing syndrome. Also called: Neoplastic Syndromes, Hereditary; Tumor predisposition; Hereditary neoplastic syndrome; Hereditary Cancer Syndrome. Identifiers: Orphanet 140162, MedGen C0027672, MeSH D009386, MONDO:0015356.
Ataxia-telangiectasia syndrome (AT). Also called: Ataxia-telangiectasia, complementation group D; AT, COMPLEMENTATION GROUP C; ATAXIA-TELANGIECTASIA, COMPLEMENTATION GROUP A; ATAXIA-TELANGIECTASIA, FRESNO VARIANT; Ataxia-telangiectasia; LOUIS-BAR SYNDROME. Identifiers: Orphanet 100, MedGen C0004135, MONDO:0008840, OMIM 208900.

Submissions (2):

Ambry Genetics
Classification: Uncertain significance for Hereditary cancer-predisposing syndrome. Last evaluated: 2025-11-02. Review status: criteria provided, single submitter. Criteria: Ambry Variant Classification Scheme 2023. Collection method: clinical testing. Allele origin: germline.
Comment: The p.L970V variant (also known as c.2908C>G), located in coding exon 18 of the ATM gene, results from a C to G substitution at nucleotide position 2908. The leucine at codon 970 is replaced by valine, an amino acid with highly similar properties. This amino acid position is conserved. In addition, the in silico prediction for this alteration is inconclusive. Since supporting evidence is limited at this time, the clinical significance of this alteration remains unclear.

Labcorp Genetics (formerly Invitae), Labcorp
Classification: Uncertain significance for Ataxia-telangiectasia syndrome. Last evaluated: 2024-09-19. Review status: criteria provided, single submitter. Criteria: Invitae Variant Classification Sherloc (09022015). Collection method: clinical testing. Allele origin: germline.
Comment: This sequence change replaces leucine, which is neutral and non-polar, with valine, which is neutral and non-polar, at codon 970 of the ATM protein (p.Leu970Val). This variant is not present in population databases (gnomAD no frequency). This variant has not been reported in the literature in individuals affected with ATM-related conditions. ClinVar contains an entry for this variant (Variation ID: 1797531). An algorithm developed to predict the effect of missense changes on protein structure and function (PolyPhen-2) suggests that this variant is likely to be tolerated. In summary, the available evidence is currently insufficient to determine the role of this variant in disease. Therefore, it has been classified as a Variant of Uncertain Significance.

NM_000051.4(ATM):c.2908C>G (p.Leu970Val)

Gene: ATM (ATM serine/threonine kinase; plus strand). Cytogenetic location: 11q22.3.
Variant type: single nucleotide variant.
Coding change: c.2908C>G on transcript NM_000051.4 (MANE Select); coding-DNA position 2908, C replaced by G.
Protein change: p.Leu970Val; replaces leucine 970 with valine.
Molecular consequence: missense variant.
Genome position (GRCh38, 1-based): chr11:108,271,133, C>G. VCF-style: chr11-108271133-C-G. GRCh37 (hg19) VCF-style: chr11-108141860-C-G.
Other names: c.2908C>G, p.Leu970Val (NM_001351834.2); short protein forms L970V.
Identifiers: ClinVar variation 1797531 (VCV001797531.5), dbSNP rs1060504260, ClinGen allele CA382546968.